The following is an entry in ClinVar:

ClinVar aggregate classification (germline): Uncertain significance. Review status: criteria provided, multiple submitters, no conflicts (2 of 4 stars). 2 submissions from 2 submitters: Uncertain significance (2). Last evaluated 2025-01-06.

Conditions:
Retinitis pigmentosa 73 (RP73). Identifiers: Orphanet 791, MedGen C4225287, MONDO:0014687, OMIM 616544.
Mucopolysaccharidosis, MPS-III-C (MPS3C). Also called: MPS IIIC (Sanfilippo Syndrome Type C); MUCOPOLYSACCHARIDOSIS, TYPE IIIC; Mucopolysaccharidosis type IIIC (Sanfilippo C); SANFILIPPO SYNDROME C; MPS III C; mucopolysaccharidosis type 3C. Identifiers: Orphanet 581, Orphanet 79271, MedGen C0086649, MONDO:0009657, OMIM 252930.

Allele frequency attached by ClinVar (database versions not stated): gnomAD 0.00001; gnomAD exomes below 0.00001; TOPMed 0.00002.
gnomAD v4.1: 7 of 1,613,892 alleles (0.00043%); highest among the groups gnomAD compares: Admixed American, 0.0067%; no homozygotes.

Submissions (2):

Labcorp Genetics (formerly Invitae), Labcorp
Classification: Uncertain significance for Retinitis pigmentosa 73; Mucopolysaccharidosis, MPS-III-C. Last evaluated: 2025-01-06. Review status: criteria provided, single submitter. Criteria: Invitae Variant Classification Sherloc (09022015). Collection method: clinical testing. Allele origin: germline.
Comment: This sequence change replaces threonine, which is neutral and polar, with isoleucine, which is neutral and non-polar, at codon 407 of the HGSNAT protein (p.Thr407Ile). This variant is present in population databases (no rsID available, gnomAD 0.003%). This variant has not been reported in the literature in individuals affected with HGSNAT-related conditions. ClinVar contains an entry for this variant (Variation ID: 1375932). Invitae Evidence Modeling of protein sequence and biophysical properties (such as structural, functional, and spatial information, amino acid conservation, physicochemical variation, residue mobility, and thermodynamic stability) indicates that this missense variant is not expected to disrupt HGSNAT protein function with a negative predictive value of 95%. In summary, the available evidence is currently insufficient to determine the role of this variant in disease. Therefore, it has been classified as a Variant of Uncertain Significance.

Blueprint Genetics
Classification: Uncertain significance. Last evaluated: 2024-07-19. Review status: criteria provided, single submitter. Criteria: ACMG Guidelines, 2015. Collection method: clinical testing. Allele origin: germline.

NM_152419.3(HGSNAT):c.1220C>T (p.Thr407Ile)

Gene: HGSNAT (heparan-alpha-glucosaminide N-acetyltransferase; plus strand). Cytogenetic location: 8p11.21.
Variant type: single nucleotide variant.
Coding change: c.1220C>T on transcript NM_152419.3 (MANE Select); coding-DNA position 1220, C replaced by T.
Protein change: p.Thr407Ile; replaces threonine 407 with isoleucine.
Molecular consequence: missense variant.
Genome position (GRCh38, 1-based): chr8:43,191,565, C>T. VCF-style: chr8-43191565-C-T. GRCh37 (hg19) VCF-style: chr8-43046708-C-T.
Other names: c.1220C>T, p.Thr407Ile (NM_001363227.2); c.1028C>T, p.Thr343Ile (NM_001363228.2); c.356C>T, p.Thr119Ile (NM_001363229.2); short protein forms T343I, T119I, T407I.
Identifiers: ClinVar variation 1375932 (VCV001375932.5), dbSNP rs1410211396, ClinGen allele CA371119279.